The following is an entry in ClinVar:

ClinVar aggregate classification (germline): Conflicting classifications of pathogenicity. Review status: criteria provided, conflicting classifications (1 of 4 stars). 4 submissions from 4 submitters: Uncertain significance (1); Likely benign (3). Last evaluated 2026-07-16.

Conditions:
DIAPH1-related disorder. Also called: DIAPH1-related condition.
Progressive microcephaly-seizures-cortical blindness-developmental delay syndrome. Also called: Seizures, cortical blindness, and microcephaly syndrome. Identifiers: Orphanet 477814, MedGen C5567650, MONDO:0014714, OMIM 616632.
Autosomal dominant nonsyndromic hearing loss 1. Also called: KONIGSMARK SYNDROME; DEAFNESS, AUTOSOMAL DOMINANT 1, WITH OR WITHOUT THROMBOCYTOPENIA. Identifiers: Orphanet 90635, MedGen C1852282, MONDO:0007424, OMIM 124900.

Allele frequency attached by ClinVar (database versions not stated): gnomAD 0.00001 and 0.00002; gnomAD exomes 0.00001 and 0.00003; ExAC 0.00003; TOPMed 0.00003.
gnomAD v4.1: 20 of 1,614,106 alleles (0.0012%); highest among the groups gnomAD compares: Admixed American, 0.017%; no homozygotes.

Submissions (4):

PreventionGenetics, part of Exact Sciences
Classification: Likely benign for DIAPH1-related condition. Last evaluated: 2026-07-16. Review status: criteria provided, single submitter. Criteria: ACMG Guidelines, 2015. Collection method: clinical testing. Allele origin: germline.
Comment: This variant is classified as likely benign based on ACMG/AMP sequence variant interpretation guidelines (Richards et al. 2015 PMID: 25741868, with internal and published modifications).

Labcorp Genetics (formerly Invitae), Labcorp
Classification: Likely benign for Progressive microcephaly-seizures-cortical blindness-developmental delay syndrome; Autosomal dominant nonsyndromic hearing loss 1. Last evaluated: 2025-12-05. Review status: criteria provided, single submitter. Criteria: Invitae Variant Classification Sherloc (09022015). Collection method: clinical testing. Allele origin: germline.

Illumina Laboratory Services, Illumina
Classification: Uncertain significance for Autosomal dominant nonsyndromic hearing loss 1. Last evaluated: 2018-01-13. Review status: criteria provided, single submitter. Criteria: ICSL Variant Classification Criteria 13 December 2019. Collection method: clinical testing. Allele origin: germline.

Laboratory for Molecular Medicine, Mass General Brigham Personalized Medicine
Classification: Likely benign. Last evaluated: 2013-11-26. Review status: criteria provided, single submitter. Criteria: LMM Criteria. Collection method: clinical testing. Allele origin: germline. Observed: 1 variant allele.
Comment: Asp1033Asp in exon 23 of DIAPH1: This variant is not expected to have clinical s ignificance because it does not alter an amino acid residue and it is not locate d within the splice consensus sequence.

NM_005219.5(DIAPH1):c.3099T>C (p.Asp1033=)

Gene: DIAPH1 (diaphanous related formin 1; minus strand). Cytogenetic location: 5q31.3.
Variant type: single nucleotide variant.
Coding change: c.3099T>C on transcript NM_005219.5 (MANE Select); coding-DNA position 3099, T replaced by C.
Protein change: p.Asp1033=; no amino-acid change (aspartic acid 1033 retained).
Molecular consequence: synonymous variant.
Genome position (GRCh38, 1-based): chr5:141,528,502, A>G on the plus strand (T>C on the coding strand, the complement: DIAPH1 is on the minus strand). VCF-style: chr5-141528502-A-G. GRCh37 (hg19) VCF-style: chr5-140908069-A-G.
Other names: c.3072T>C, p.Asp1024= (NM_001079812.3); c.3099T>C, p.Asp1033= (NM_001314007.2).
Identifiers: ClinVar variation 179391 (VCV000179391.17), dbSNP rs727504838, ClinGen allele CA184331.
Genomic context (GRCh38, chr5:141,528,502, plus strand): 5'-AACTGCCCCACCTCGGCTGGCTTTCTCCACATGGGCAAGCTCGTCTGGAAACTTGAGGAC[A>G]TCGGGATAGTCATTCTCACACAACTCAGCCAAGAAGTGTAACAACGTCATCTTCTGATCT-3'
Protein context (NP_005210.3, residues 1023-1043): LAELCENDYP[Asp1033=]VLKFPDELAH